The following is an entry in ClinVar:

NM_001042492.3(NF1):c.1722-19G>A

Gene: NF1 (neurofibromin 1; plus strand). Cytogenetic location: 17q11.2.
Variant type: single nucleotide variant.
Coding change: c.1722-19G>A on transcript NM_001042492.3 (MANE Select); 19 bases into the intron before coding-DNA position 1722, G replaced by A.
Molecular consequence: intron variant.
Genome position (GRCh38, 1-based): chr17:31,223,425, G>A. VCF-style: chr17-31223425-G-A. GRCh37 (hg19) VCF-style: chr17-29550443-G-A.
Other names: c.1722-19G>A (NM_000267.4).
Identifiers: ClinVar variation 2159879 (VCV002159879.6), dbSNP rs2144015106, ClinGen allele CA2580092805.
Genomic context (GRCh38, chr17:31,223,425, plus strand): 5'-GAATGCCATTCTTATGTCTGGTTATATCTGCATTAGGTTATTGATGATGCTAGTAACAAT[G>A]AACTTTATGTTACTGCAGCTCACAAATGCTTTTTTACATCTGCAAGAAATTAACTAGTCA-3'

ClinVar aggregate classification (germline): Likely benign. Review status: criteria provided, multiple submitters, no conflicts (2 of 4 stars). 3 submissions from 3 submitters: Likely benign (3). Last evaluated 2026-09-22.

Conditions:
Neurofibromatosis, type 1 (NF1). Also called: Neurofibromatosis, type I; NEUROFIBROMATOSIS, TYPE I, SOMATIC; VON RECKLINGHAUSEN DISEASE; Peripheral type neurofibromatosis. Identifiers: Orphanet 636, MedGen C0027831, MONDO:0018975, OMIM 162200. Disease mechanism: loss of function.

Submissions (3):

Myriad Genetics, Inc.
Classification: Likely benign for Neurofibromatosis, type 1. Last evaluated: 2026-09-22. Review status: criteria provided, single submitter. Criteria: Myriad Autosomal Dominant, Autosomal Recessive and X-Linked Classification Criteria (2023). Collection method: clinical testing. Allele origin: unknown.
Comment: This variant is considered likely benign. This variant is intronic and is not expected to impact mRNA splicing.

Labcorp Genetics (formerly Invitae), Labcorp
Classification: Likely benign for Neurofibromatosis, type 1. Last evaluated: 2026-01-18. Review status: criteria provided, single submitter. Criteria: Invitae Variant Classification Sherloc (09022015). Collection method: clinical testing. Allele origin: germline.

Blueprint Genetics
Classification: Likely benign. Last evaluated: 2022-12-14. Review status: criteria provided, single submitter. Criteria: ACMG Guidelines, 2015. Collection method: clinical testing. Allele origin: germline.